The following is an entry in ClinVar:

ClinVar aggregate classification (germline): Benign (1 of 4 stars; one submission).

Allele frequency attached by ClinVar (database versions not stated): gnomAD 0.02479 and 0.02674; TOPMed 0.02745; 1000 Genomes Project 0.02776; 1000 Genomes Project 30x 0.02998.
gnomAD v4.1: 3,756 of 152,252 alleles (2.5%); highest among the groups gnomAD compares: African/African-American, 8.4%; 163 homozygotes.

Submission:

GeneDx
Classification: Benign. Last evaluated: 2018-06-18. Review status: criteria provided, single submitter. Criteria: GeneDx Variant Classification (06012015). Collection method: clinical testing. Allele origin: germline. Affected: yes.
Comment: This variant is considered likely benign or benign based on one or more of the following criteria: it is a conservative change, it occurs at a poorly conserved position in the protein, it is predicted to be benign by multiple in silico algorithms, and/or has population frequency not consistent with disease.

NM_024675.4(PALB2):c.211+191A>T

Gene: PALB2 (partner and localizer of BRCA2; minus strand). Cytogenetic location: 16p12.2.
Variant type: single nucleotide variant.
Coding change: c.211+191A>T on transcript NM_024675.4 (MANE Select); 191 bases into the intron after coding-DNA position 211, A replaced by T.
Molecular consequence: intron variant.
Genome position (GRCh38, 1-based): chr16:23,637,659, T>A on the plus strand (A>T on the coding strand, the complement: PALB2 is on the minus strand). VCF-style: chr16-23637659-T-A. GRCh37 (hg19) VCF-style: chr16-23648980-T-A.
Identifiers: ClinVar variation 677858 (VCV000677858.1), dbSNP rs150117355, ClinGen allele CA279501627.
Genomic context (GRCh38, chr16:23,637,659, plus strand): 5'-GGAGGCTGAGGCACGAGAATCACTTGAGCCTGGGAGTTGGAGGTTGTAGTGAGCCAAGAT[T>A]GTGCCACTGCACTCCAGCCTGGGTAACAAAGAGTGAGACTCTGTCTCAAAAAAATAAAAT-3'